The following is an entry in ClinVar:

NM_004082.5(DCTN1):c.1637AGC[1] (p.Gln547del)

Gene: DCTN1 (dynactin subunit 1; minus strand). Cytogenetic location: 2p13.1.
Variant type: Microsatellite.
Coding change: c.1637AGC[1] on transcript NM_004082.5 (MANE Select); one copy of the 3-base unit AGC starting at c.1637; the reference has two copies in a row; one copy, 3 bases deleted; also written c.1640_1642del.
Protein change: p.Gln547del; deletes glutamine 547.
Molecular consequence: inframe indel (on NM_004082.4). On other transcripts: non-coding transcript variant (1).
Genome position (GRCh38, 1-based): chr2:74,369,157-74,369,159, GCT deleted on the plus strand (AGC on the coding strand, the reverse complement: DCTN1 is on the minus strand); deleting any 3 consecutive bases within chr2:74,369,157-74,369,163 gives the same sequence; the position shown is the placement nearest the transcript's 3' end. VCF-style (leftmost placement, unchanged base first): chr2-74369156-GGCT-G. GRCh37 (hg19) VCF-style: chr2-74596283-GGCT-G.
Other names: c.1577AGC[1], p.Gln527del (NM_001135040.3); c.1235AGC[1], p.Gln413del (NM_001135041.3, NM_023019.4); c.1526AGC[1], p.Gln510del (NM_001190836.2); c.1616AGC[1], p.Gln540del (NM_001190837.2); c.1586AGC[1], p.Gln530del (NM_001378991.1); c.1568AGC[1], p.Gln524del (NM_001378992.1); c.1636_1638CAG[1], p.Gln547del (NM_004082.4); c.1640_1642del (NM_004082.4); short protein forms Q510del, Q524del, Q527del, Q540del, Q413del, Q547del, Q530del.
Identifiers: ClinVar variation 4055848 (VCV004055848.1).

ClinVar aggregate classification (germline): Uncertain significance (1 of 4 stars; one submission).

Submission:

GeneDx
Classification: Uncertain significance. Last evaluated: 2025-01-03. Review status: criteria provided, single submitter. Criteria: GeneDx Variant Classification Process June 2021. Collection method: clinical testing. Allele origin: germline. Affected: yes.
Comment: Not observed at significant frequency in large population cohorts (gnomAD); In-frame deletion of 1 amino acid(s) in a non-repeat region; In silico analysis supports a deleterious effect on protein structure/function; Has not been previously published as pathogenic or benign to our knowledge